The following is an entry in ClinVar:

ClinVar aggregate classification (germline): Uncertain significance (1 of 4 stars; one submission).

Submission:

Labcorp Genetics (formerly Invitae), Labcorp
Classification: Uncertain significance. Last evaluated: 2022-09-01. Review status: criteria provided, single submitter. Criteria: Invitae Variant Classification Sherloc (09022015). Collection method: clinical testing. Allele origin: germline.
Comment: This variant has not been reported in the literature in individuals affected with CDH23-related conditions. In summary, the available evidence is currently insufficient to determine the role of this variant in disease. Therefore, it has been classified as a Variant of Uncertain Significance. Algorithms developed to predict the effect of missense changes on protein structure and function are either unavailable or do not agree on the potential impact of this missense change (SIFT: "Deleterious"; PolyPhen-2: "Not Available"; Align-GVGD: "Class C55"). ClinVar contains an entry for this variant (Variation ID: 852493). This variant is not present in population databases (gnomAD no frequency). This sequence change replaces valine, which is neutral and non-polar, with alanine, which is neutral and non-polar, at codon 1548 of the CDH23 protein (p.Val1548Ala).

NM_022124.6(CDH23):c.4643T>C (p.Val1548Ala)

Gene: CDH23 (cadherin related 23; plus strand). Cytogenetic location: 10q22.1.
Variant type: single nucleotide variant.
Coding change: c.4643T>C on transcript NM_022124.6 (MANE Select); coding-DNA position 4643, T replaced by C.
Protein change: p.Val1548Ala; replaces valine 1548 with alanine.
Molecular consequence: missense variant.
Genome position (GRCh38, 1-based): chr10:71,741,719, T>C. VCF-style: chr10-71741719-T-C. GRCh37 (hg19) VCF-style: chr10-73501476-T-C.
Other names: short protein forms V1548A.
Identifiers: ClinVar variation 852493 (VCV000852493.11), dbSNP rs1839738327, ClinGen allele CA377160990.